The following is an entry in ClinVar:

NM_020975.6(RET):c.1348A>C (p.Ser450Arg)

Gene: RET (ret proto-oncogene; plus strand). Cytogenetic location: 10q11.21.
Variant type: single nucleotide variant.
Coding change: c.1348A>C on transcript NM_020975.6 (MANE Select); coding-DNA position 1348, A replaced by C.
Protein change: p.Ser450Arg; replaces serine 450 with arginine.
Molecular consequence: missense variant. On other transcripts: intron variant (15).
Genome position (GRCh38, 1-based): chr10:43,111,291, A>C. VCF-style: chr10-43111291-A-C. GRCh37 (hg19) VCF-style: chr10-43606739-A-C.
Other names: c.1348A>C, p.Ser450Arg (NM_000323.2, NM_001406743.1, NM_001406744.1 and 6 more transcripts); c.586A>C, p.Ser196Arg (NM_001355216.2); c.1219A>C, p.Ser407Arg (NM_001406761.1, NM_001406762.1, NM_001406764.1 and 1 more transcripts); c.1060A>C, p.Ser354Arg (NM_001406766.1, NM_001406767.1, NM_001406770.1); c.952A>C, p.Ser318Arg (NM_001406769.1, NM_001406772.1); c.910A>C, p.Ser304Arg (NM_001406771.1, NM_001406773.1); c.823A>C, p.Ser275Arg (NM_001406774.1); c.622A>C, p.Ser208Arg (NM_001406775.1, NM_001406776.1, NM_001406777.1 and 1 more transcripts); and 5 more; short protein forms S120R, S196R, S208R, S275R, S304R, S318R, S354R, S407R.
Identifiers: ClinVar variation 3227505 (VCV003227505.1), dbSNP rs1837916996, ClinGen allele CA376549135.

ClinVar aggregate classification (germline): Uncertain significance (1 of 4 stars; one submission).

Conditions:
Hereditary cancer-predisposing syndrome. Also called: Neoplastic Syndromes, Hereditary; Tumor predisposition; Hereditary neoplastic syndrome; Hereditary Cancer Syndrome. Identifiers: Orphanet 140162, MedGen C0027672, MeSH D009386, MONDO:0015356.

gnomAD v4.1: 1 of 1,614,168 alleles (0.000062%); highest among the groups gnomAD compares: Non-Finnish European, 0.000085%; no homozygotes.

Submission:

Ambry Genetics
Classification: Uncertain significance for Hereditary cancer-predisposing syndrome. Last evaluated: 2023-11-15. Review status: criteria provided, single submitter. Criteria: Ambry Variant Classification Scheme 2023. Collection method: clinical testing. Allele origin: germline.
Comment: The p.S450R variant (also known as c.1348A>C), located in coding exon 7 of the RET gene, results from an A to C substitution at nucleotide position 1348. The serine at codon 450 is replaced by arginine, an amino acid with dissimilar properties. This amino acid position is conserved. In addition, this alteration is predicted to be tolerated by in silico analysis. Since supporting evidence is limited at this time, the clinical significance of this alteration remains unclear.